The following is an entry in ClinVar:

ClinVar aggregate classification (germline): Uncertain significance (1 of 4 stars; one submission).

Submission:

Institute for Human Genetics, University Hospital Essen
Classification: Uncertain significance. Last evaluated: 2025-11-27. Review status: criteria provided, single submitter. Criteria: Submitter's publication. Collection method: clinical testing. Allele origin: de novo. Inheritance: Autosomal unknown. Affected: yes. Observed: 1 variant allele, 1 heterozygote.
Comment: PS2_supp, PM1_supp, PM2_supp (criteria rationale detailed in Leitão et al. Nature Genetics 2026)

NR_199791.1(RNU2-2):n.129_139del

Genes: WDR74 (WD repeat domain 74; minus strand), RNU2-2 (RNA, U2 small nuclear 2; minus strand). Cytogenetic location: 11q12.3.
Variant type: Deletion.
Molecular consequence: non-coding transcript variant (on NR_199791.1). On other transcripts: 5 prime UTR variant (1).
Genome position: GRCh38 VCF-style: chr11-62841670-TGGACGGAGCAA-T. GRCh37 (hg19) VCF-style: chr11-62609142-TGGACGGAGCAA-T.
Other names: c.-410_-400del (NM_001369451.1).
Identifiers: ClinVar variation 4540518 (VCV004540518.1).